The following is an entry in ClinVar:

NM_177924.5(ASAH1):c.340G>T (p.Glu114Ter)

Gene: ASAH1 (N-acylsphingosine amidohydrolase 1; minus strand). Cytogenetic location: 8p22.
Variant type: single nucleotide variant.
Coding change: c.340G>T on transcript NM_177924.5 (MANE Select); coding-DNA position 340, G replaced by T.
Protein change: p.Glu114Ter; replaces glutamic acid 114 with a stop codon.
Molecular consequence: nonsense.
Genome position (GRCh38, 1-based): chr8:18,067,262, C>A on the plus strand (G>T on the coding strand, the complement: ASAH1 is on the minus strand). VCF-style: chr8-18067262-C-A. GRCh37 (hg19) VCF-style: chr8-17924771-C-A.
Other names: c.145G>T, p.Glu49Ter (NM_001363743.2); c.388G>T, p.Glu130Ter (NM_004315.6); c.322G>T, p.Glu108Ter (NM_001127505.3); short protein forms E49*, E114*, E108*, E130*.
Identifiers: ClinVar variation 2855734 (VCV002855734.3), dbSNP rs1799969211, ClinGen allele CA370432790.

ClinVar aggregate classification (germline): Pathogenic (1 of 4 stars; one submission).

Submission:

Labcorp Genetics (formerly Invitae), Labcorp
Classification: Pathogenic. Last evaluated: 2023-04-28. Review status: criteria provided, single submitter. Criteria: Invitae Variant Classification Sherloc (09022015). Collection method: clinical testing. Allele origin: germline.
Comment: This sequence change creates a premature translational stop signal (p.Glu114*) in the ASAH1 gene. It is expected to result in an absent or disrupted protein product. Loss-of-function variants in ASAH1 are known to be pathogenic (PMID: 24164096, 24355074). For these reasons, this variant has been classified as Pathogenic. Algorithms developed to predict the effect of sequence changes on RNA splicing suggest that this variant may disrupt the consensus splice site. This variant has not been reported in the literature in individuals affected with ASAH1-related conditions. This variant is not present in population databases (gnomAD no frequency).

Literature cited by the submitters: PubMed 24164096; PubMed 24355074.